The following is an entry in ClinVar:

ClinVar aggregate classification (germline): Uncertain significance (1 of 4 stars; one submission).

Conditions:
EGFR-related lung cancer (EGFR). Identifiers: MedGen CN130014.

Submission:

Labcorp Genetics (formerly Invitae), Labcorp
Classification: Uncertain significance for EGFR-related lung cancer. Last evaluated: 2019-10-31. Review status: criteria provided, single submitter. Criteria: Invitae Variant Classification Sherloc (09022015). Collection method: clinical testing. Allele origin: germline.
Comment: Algorithms developed to predict the effect of missense changes on protein structure and function (SIFT, PolyPhen-2, Align-GVGD) all suggest that this variant is likely to be disruptive, but these predictions have not been confirmed by published functional studies and their clinical significance is uncertain. In summary, the available evidence is currently insufficient to determine the role of this variant in disease. Therefore, it has been classified as a Variant of Uncertain Significance. This variant has not been reported in the literature in individuals with EGFR-related conditions. This variant is not present in population databases (ExAC no frequency). This sequence change replaces valine with leucine at codon 148 of the EGFR protein (p.Val148Leu). The valine residue is highly conserved and there is a small physicochemical difference between valine and leucine.

NM_005228.5(EGFR):c.442G>C (p.Val148Leu)

Gene: EGFR (epidermal growth factor receptor; plus strand). Cytogenetic location: 7p11.2.
Variant type: single nucleotide variant.
Coding change: c.442G>C on transcript NM_005228.5 (MANE Select); coding-DNA position 442, G replaced by C.
Protein change: p.Val148Leu; replaces valine 148 with leucine.
Molecular consequence: missense variant. On other transcripts: intron variant (3).
Genome position (GRCh38, 1-based): chr7:55,146,623, G>C. VCF-style: chr7-55146623-G-C. GRCh37 (hg19) VCF-style: chr7-55214316-G-C.
Other names: c.442G>C, p.Val148Leu (NM_001346898.2, NM_201282.2, NM_201283.2 and 1 more transcripts); c.283G>C, p.Val95Leu (NM_001346900.2); c.424+3135G>C (NM_001346899.2, NM_001346897.2); c.89-9207G>C (NM_001346941.2); short protein forms V148L, V95L.
Identifiers: ClinVar variation 970110 (VCV000970110.9), dbSNP rs1562756942, ClinGen allele CA367576496.